The following is an entry in ClinVar:

NM_170675.5(MEIS2):c.593C>T (p.Ser198Leu)

Gene: MEIS2 (Meis homeobox 2; minus strand). Cytogenetic location: 15q14.
Variant type: single nucleotide variant.
Coding change: c.593C>T on transcript NM_170675.5 (MANE Select); coding-DNA position 593, C replaced by T.
Protein change: p.Ser198Leu; replaces serine 198 with leucine.
Molecular consequence: missense variant. On other transcripts: non-coding transcript variant (1).
Genome position (GRCh38, 1-based): chr15:37,093,627, G>A on the plus strand (C>T on the coding strand, the complement: MEIS2 is on the minus strand). VCF-style: chr15-37093627-G-A. GRCh37 (hg19) VCF-style: chr15-37385828-G-A.
Other names: c.593C>T, p.Ser198Leu (NM_001220482.2, NM_170674.5, NM_170676.5 and 1 more transcripts); c.554C>T, p.Ser185Leu (NM_002399.4, NM_172315.3); c.329C>T, p.Ser110Leu (NM_172316.3); short protein forms S185L, S198L, S110L.
Identifiers: ClinVar variation 4745226 (VCV004745226.1).

ClinVar aggregate classification (germline): Uncertain significance (1 of 4 stars; one submission).

Conditions:
Cardiac malformation, cleft lip/palate, microcephaly, and digital anomalies. Also called: CLEFT PALATE, CARDIAC DEFECTS, AND IMPAIRED INTELLECTUAL DEVELOPMENT. Identifiers: MedGen C1832950, MONDO:0010970, OMIM 600987.

Submission:

Labcorp Genetics (formerly Invitae), Labcorp
Classification: Uncertain significance for Cardiac malformation, cleft lip/palate, microcephaly, and digital anomalies. Last evaluated: 2025-08-05. Review status: criteria provided, single submitter. Criteria: Invitae Variant Classification Sherloc (09022015). Collection method: clinical testing. Allele origin: germline.
Comment: This sequence change replaces serine, which is neutral and polar, with leucine, which is neutral and non-polar, at codon 198 of the MEIS2 protein (p.Ser198Leu). This variant is not present in population databases (gnomAD no frequency). This variant has not been reported in the literature in individuals affected with MEIS2-related conditions. Invitae Evidence Modeling of protein sequence and biophysical properties (such as structural, functional, and spatial information, amino acid conservation, physicochemical variation, residue mobility, and thermodynamic stability) indicates that this missense variant is not expected to disrupt MEIS2 protein function with a negative predictive value of 80%. In summary, the available evidence is currently insufficient to determine the role of this variant in disease. Therefore, it has been classified as a Variant of Uncertain Significance.